The following is an entry in ClinVar:

ClinVar aggregate classification (germline): Likely benign (1 of 4 stars; one submission).

Allele frequency attached by ClinVar (database versions not stated): gnomAD exomes below 0.00001; TOPMed below 0.00001; gnomAD 0.00001.

Submission:

CeGaT Center for Human Genetics Tuebingen
Classification: Likely benign. Last evaluated: 2022-06-01. Review status: criteria provided, single submitter. Criteria: CeGaT Center For Human Genetics Tuebingen Variant Classification Criteria Version 2. Collection method: clinical testing. Allele origin: germline. Affected: yes. Observed: 1 variant allele.
Comment: GPR25: BP4, BP7

NM_005298.4(GPR25):c.813T>C (p.Arg271=)

Gene: GPR25 (G protein-coupled receptor 25; plus strand). Cytogenetic location: 1q32.1.
Variant type: single nucleotide variant.
Coding change: c.813T>C on transcript NM_005298.4 (MANE Select); coding-DNA position 813, T replaced by C.
Protein change: p.Arg271=; no amino-acid change (arginine 271 retained).
Molecular consequence: synonymous variant.
Genome position (GRCh38, 1-based): chr1:200,873,850, T>C. VCF-style: chr1-200873850-T-C. GRCh37 (hg19) VCF-style: chr1-200842978-T-C.
Identifiers: ClinVar variation 2639729 (VCV002639729.24), dbSNP rs1329363452, ClinGen allele CA422814119.